The following is an entry in ClinVar:

ClinVar aggregate classification (germline): Uncertain significance (1 of 4 stars; one submission).

Submission:

Labcorp Genetics (formerly Invitae), Labcorp
Classification: Uncertain significance. Last evaluated: 2024-11-06. Review status: criteria provided, single submitter. Criteria: Invitae Variant Classification Sherloc (09022015). Collection method: clinical testing. Allele origin: germline.
Comment: This sequence change affects codon 865 of the MAGEL2 mRNA. It is a 'silent' change, meaning that it does not change the encoded amino acid sequence of the MAGEL2 protein. This variant is present in population databases (no rsID available, gnomAD 0.007%). This variant has not been reported in the literature in individuals affected with MAGEL2-related conditions. In summary, the available evidence is currently insufficient to determine the role of this variant in disease. Therefore, it has been classified as a Variant of Uncertain Significance.

NM_019066.5(MAGEL2):c.2595T>G (p.Thr865=)

Gene: MAGEL2 (MAGE family member L2; minus strand). Cytogenetic location: 15q11.2.
Variant type: single nucleotide variant.
Coding change: c.2595T>G on transcript NM_019066.5 (MANE Select); coding-DNA position 2595, T replaced by G.
Protein change: p.Thr865=; no amino-acid change (threonine 865 retained).
Molecular consequence: synonymous variant.
Genome position (GRCh38, 1-based): chr15:23,645,148, A>C on the plus strand (T>G on the coding strand, the complement: MAGEL2 is on the minus strand). VCF-style: chr15-23645148-A-C. GRCh37 (hg19) VCF-style: chr15-23890295-A-C.
Identifiers: ClinVar variation 3680055 (VCV003680055.2).
Genomic context (GRCh38, chr15:23,645,148, plus strand): 5'-GGCCTTGCCGGAGCGGCGTGGCGGCTCGACGGAGGTCTTGGAGGCCTCTTGAGTGGTGGC[A>C]GTTGCCTGGGGGGCAGCTGCTGTAGCCATCAGGAAGGTGGGCACTGCCTGCGATGCCTTT-3'
Protein context (NP_061939.3, residues 855-875): LMATAAAPQA[Thr865=]ATTQEASKTS